The following is an entry in ClinVar:

NM_000355.4(TCN2):c.1110T>A (p.Tyr370Ter)

Gene: TCN2 (transcobalamin 2; plus strand). Cytogenetic location: 22q12.2.
Variant type: single nucleotide variant.
Coding change: c.1110T>A on transcript NM_000355.4 (MANE Select); coding-DNA position 1110, T replaced by A.
Protein change: p.Tyr370Ter; replaces tyrosine 370 with a stop codon.
Molecular consequence: nonsense.
Genome position (GRCh38, 1-based): chr22:30,622,971, T>A. VCF-style: chr22-30622971-T-A. GRCh37 (hg19) VCF-style: chr22-31018958-T-A.
Other names: c.1029T>A, p.Tyr343Ter (NM_001184726.2); short protein forms Y343*, Y370*.
Identifiers: ClinVar variation 4803255 (VCV004803255.1).
Genomic context (GRCh38, chr22:30,622,971, plus strand): 5'-CTCCCCTTAGGGACAACAGCCACCTCTTCTCTCCCCATTTGCCTTTCCCTTCTGTAGATA[T>A]GAAACACAGGCCTCCTTGTCAGGCCCCTACTTAACCTCCGTGATGGGGAAAGCGGCCGGA-3'

ClinVar aggregate classification (germline): Pathogenic (1 of 4 stars; one submission).

Conditions:
Transcobalamin II deficiency (TCN2D). Also called: Transcolabamin II deficiency; TC II DEFICIENCY; TCN2 DEFICIENCY. Identifiers: Orphanet 859, MedGen C0342701, MONDO:0010149, OMIM 275350.

gnomAD v4.1: 2 of 1,614,104 alleles (0.00012%); highest among the groups gnomAD compares: South Asian, 0.0011%; no homozygotes.

Submission:

Labcorp Genetics (formerly Invitae), Labcorp
Classification: Pathogenic for Transcobalamin II deficiency. Last evaluated: 2025-08-08. Review status: criteria provided, single submitter. Criteria: Invitae Variant Classification Sherloc (09022015). Collection method: clinical testing. Allele origin: germline.
Comment: This sequence change creates a premature translational stop signal (p.Tyr370*) in the TCN2 gene. It is expected to result in an absent or disrupted protein product. Loss-of-function variants in TCN2 are known to be pathogenic (PMID: 7980584, 20352340). This variant is not present in population databases (gnomAD no frequency). This premature translational stop signal has been observed in individual(s) with transcobalamin II deficiency (PMID: 7980584). For these reasons, this variant has been classified as Pathogenic.

Literature cited by the submitters: PubMed 7980584; PubMed 20352340.